The following is an entry in ClinVar:

ClinVar aggregate classification (germline): Uncertain significance (1 of 4 stars; one submission).

Conditions:
PLXNA3-related disorder. Also called: PLXNA3-related condition.

gnomAD v4.1: 11 of 1,208,846 alleles (0.00091%); highest among the groups gnomAD compares: East Asian, 0.003%; no homozygotes.

Submission:

PreventionGenetics, part of Exact Sciences
Classification: Uncertain significance for PLXNA3-related condition. Last evaluated: 2026-08-12. Review status: criteria provided, single submitter. Criteria: ACMG Guidelines, 2015. Collection method: clinical testing. Allele origin: germline.
Comment: The PLXNA3 c.2731G>A variant is predicted to result in the amino acid substitution p.Val911Met. To our knowledge, this variant has not been reported in the literature. This variant is reported in 0.0072% of alleles in individuals of East Asian descent in gnomAD. At this time, the clinical significance of this variant is uncertain due to the absence of conclusive functional and genetic evidence.

NM_017514.5(PLXNA3):c.2731G>A (p.Val911Met)

Gene: PLXNA3 (plexin A3; plus strand). Cytogenetic location: Xq28.
Variant type: single nucleotide variant.
Coding change: c.2731G>A on transcript NM_017514.5 (MANE Select); coding-DNA position 2731, G replaced by A.
Protein change: p.Val911Met; replaces valine 911 with methionine.
Molecular consequence: missense variant.
Genome position (GRCh38, 1-based): chrX:154,466,202, G>A. VCF-style: chrX-154466202-G-A. GRCh37 (hg19) VCF-style: chrX-153694545-G-A.
Other names: short protein forms V911M.
Identifiers: ClinVar variation 4985968 (VCV004985968.1).